The following is an entry in ClinVar:

NM_001048174.2(MUTYH):c.1414C>T (p.Gln472Ter)

Gene: MUTYH (mutY DNA glycosylase; minus strand). Cytogenetic location: 1p34.1.
Variant type: single nucleotide variant.
Coding change: c.1414C>T on transcript NM_001048174.2 (MANE Select); coding-DNA position 1414, C replaced by T.
Protein change: p.Gln472Ter; replaces glutamine 472 with a stop codon.
Molecular consequence: nonsense. On other transcripts: non-coding transcript variant (2).
Genome position (GRCh38, 1-based): chr1:45,330,536, G>A on the plus strand (C>T on the coding strand, the complement: MUTYH is on the minus strand). VCF-style: chr1-45330536-G-A. GRCh37 (hg19) VCF-style: chr1-45796208-G-A.
Other names: c.1414C>T, p.Gln472Ter (NM_001048171.2, NM_001048173.2, NM_001293195.2); c.1417C>T, p.Gln473Ter (NM_001048172.2); c.1498C>T, p.Gln500Ter (NM_001128425.2); c.1459C>T, p.Gln487Ter (NM_001293190.2); c.1447C>T, p.Gln483Ter (NM_001293191.2); c.1138C>T, p.Gln380Ter (NM_001293192.2, NM_001293196.2); c.1069C>T, p.Gln357Ter (NM_001350650.2, NM_001350651.2); c.1489C>T, p.Gln497Ter (NM_012222.3); short protein forms Q380*, Q357*, Q487*, Q473*, Q500*, Q472*, Q483*, Q497*.
Identifiers: ClinVar variation 934578 (VCV000934578.11), dbSNP rs1644624908, ClinGen allele CA340132356.
Genomic context (GRCh38, chr1:45,330,536, plus strand): 5'-GCCTGGGGAGACACGGTTGGGAGAGGCCTAGGAGACTTACCATACAGGTCCCTGGCTGTT[G>A]GCCCTGATACACACGGAAAACCTAGACAAGAAGACAGGGAGGTGAGGGCTGGCACTTTTT-3'

ClinVar aggregate classification (germline): Conflicting classifications of pathogenicity. Review status: criteria provided, conflicting classifications (1 of 4 stars). 2 submissions from 2 submitters: Likely pathogenic (1); Uncertain significance (1). Last evaluated 2025-12-12.

Conditions:
Hereditary cancer-predisposing syndrome. Also called: Neoplastic Syndromes, Hereditary; Tumor predisposition; Hereditary Cancer Syndrome; Hereditary neoplastic syndrome. Identifiers: Orphanet 140162, MedGen C0027672, MeSH D009386, MONDO:0015356.
Familial adenomatous polyposis 2. Also called: Adenomas, multiple colorectal; MUTYH Polyposis; COLORECTAL ADENOMATOUS POLYPOSIS, AUTOSOMAL RECESSIVE; ADENOMAS, MULTIPLE COLORECTAL, AUTOSOMAL RECESSIVE; MUTYH-associated polyposis; MUTYH-related attenuated familial adenomatous polyposis. Identifiers: Orphanet 220460, Orphanet 247798, MedGen C3272841, MONDO:0012041, OMIM 608456.

Allele frequency attached by ClinVar (database versions not stated): gnomAD exomes below 0.00001.
gnomAD v4.1: 1 of 1,609,894 alleles (0.000062%); highest among the groups gnomAD compares: Non-Finnish European, 0.000085%; no homozygotes.

Submissions (2):

Ambry Genetics
Classification: Uncertain significance for Hereditary cancer-predisposing syndrome. Last evaluated: 2025-12-12. Review status: criteria provided, single submitter. Criteria: Ambry Variant Classification Scheme 2023. Collection method: clinical testing. Allele origin: germline.
Comment: The p.Q500* variant (also known as c.1498C>T), located in coding exon 15 of the MUTYH gene, results from a C to T substitution at nucleotide position 1498. This changes the amino acid from a glutamine to a stop codon within coding exon 15. This alteration occurs at the 3' terminus of theMUTYH gene, is not expected to trigger nonsense-mediated mRNAdecay, and only impacts the last 9.1% of the protein. The exact functional effect of this alteration is unknown. Based on the available evidence, the clinical significance of this variant remains unclear.

Labcorp Genetics (formerly Invitae), Labcorp
Classification: Likely pathogenic for Familial adenomatous polyposis 2. Last evaluated: 2025-03-05. Review status: criteria provided, single submitter. Criteria: Invitae Variant Classification Sherloc (09022015). Collection method: clinical testing. Allele origin: germline.
Comment: This sequence change creates a premature translational stop signal (p.Gln500*) in the MUTYH gene. While this is not anticipated to result in nonsense mediated decay, it is expected to disrupt the last 50 amino acid(s) of the MUTYH protein. This variant is not present in population databases (gnomAD no frequency). This variant has not been reported in the literature in individuals affected with MUTYH-related conditions. This variant is also known as Gln512-Phe519. ClinVar contains an entry for this variant (Variation ID: 934578). This variant disrupts the conserved PCNA binding motif of the MUTYH protein, which has been shown to be critical for MUTYH-PCNA binding and repair efficiency (PMID: 11092888, 26377631, 11433026, 11864576). While functional studies have not been performed to directly test the effect of this variant on MUTYH protein function, this suggests that disruption of this region of the protein is causative of disease. In summary, the currently available evidence indicates that the variant is pathogenic, but additional data are needed to prove that conclusively. Therefore, this variant has been classified as Likely Pathogenic.

Literature cited by the submitters: PubMed 11092888 (cited by Labcorp Genetics (formerly Invitae), Labcorp); PubMed 26377631 (cited by Labcorp Genetics (formerly Invitae), Labcorp); PubMed 11433026 (cited by Labcorp Genetics (formerly Invitae), Labcorp); PubMed 11864576 (cited by Labcorp Genetics (formerly Invitae), Labcorp).